The following is an entry in ClinVar:

ClinVar aggregate classification (germline): Uncertain significance. Review status: criteria provided, multiple submitters, no conflicts (2 of 4 stars). 3 submissions from 3 submitters: Uncertain significance (3). Last evaluated 2025-12-17.

Conditions:
Inborn genetic diseases. Identifiers: MedGen C0950123, MeSH D030342.

Allele frequency attached by ClinVar (database versions not stated): ExAC 0.00001; gnomAD 0.00001; TOPMed 0.00002.

Submissions (3):

Women's Health and Genetics/Laboratory Corporation of America, LabCorp
Classification: Uncertain significance. Last evaluated: 2025-12-17. Review status: criteria provided, single submitter. Criteria: LabCorp Variant Classification Summary - May 2015. Collection method: clinical testing. Allele origin: germline.
Comment: Variant summary: PRKCG c.8G>A (p.Gly3Asp) results in a non-conservative amino acid change in the encoded protein sequence. Algorithms developed to predict the effect of missense changes on protein structure and function are either unavailable or do not agree on the potential impact of this missense change. The variant allele was found at a frequency of 1.6e-05 in 249954 control chromosomes. The available data on variant occurrences in the general population are insufficient to allow any conclusion about variant significance. To our knowledge, no occurrence of c.8G>A in individuals affected with PRKCG-related conditions and no experimental evidence demonstrating its impact on protein function have been reported. ClinVar contains an entry for this variant (Variation ID: 2684343). Based on the evidence outlined above, the variant was classified as uncertain significance.

Ambry Genetics
Classification: Uncertain significance for Inborn genetic diseases. Last evaluated: 2025-05-14. Review status: criteria provided, single submitter. Criteria: Ambry Variant Classification Scheme 2023. Collection method: clinical testing. Allele origin: germline.

Athena Diagnostics
Classification: Uncertain significance. Last evaluated: 2022-11-03. Review status: criteria provided, single submitter. Criteria: Athena Diagnostics Criteria. Collection method: clinical testing. Allele origin: unknown.
Comment: Available data are insufficient to determine the clinical significance of the variant at this time. The frequency of this variant in the general population is higher than would generally be expected for pathogenic variants in this gene. Computational tools predict that this variant is not damaging.

NM_002739.5(PRKCG):c.8G>A (p.Gly3Asp)

Gene: PRKCG (protein kinase C gamma; plus strand). Cytogenetic location: 19q13.42.
Variant type: single nucleotide variant.
Coding change: c.8G>A on transcript NM_002739.5 (MANE Select); coding-DNA position 8, G replaced by A.
Protein change: p.Gly3Asp; replaces glycine 3 with aspartic acid.
Molecular consequence: missense variant.
Genome position (GRCh38, 1-based): chr19:53,882,502, G>A. VCF-style: chr19-53882502-G-A. GRCh37 (hg19) VCF-style: chr19-54385756-G-A.
Other names: c.8G>A, p.Gly3Asp (NM_001316329.2); short protein forms G3D.
Identifiers: ClinVar variation 2684343 (VCV002684343.3), dbSNP rs754944966, ClinGen allele CA9640173.